The following is an entry in ClinVar:

NM_000171.4(GLRA1):c.722G>A (p.Arg241Gln)

Gene: GLRA1 (glycine receptor alpha 1; minus strand). Cytogenetic location: 5q33.1.
Variant type: single nucleotide variant.
Coding change: c.722G>A on transcript NM_000171.4 (MANE Select); coding-DNA position 722, G replaced by A.
Protein change: p.Arg241Gln; replaces arginine 241 with glutamine.
Molecular consequence: missense variant.
Genome position (GRCh38, 1-based): chr5:151,851,580, C>T on the plus strand (G>A on the coding strand, the complement: GLRA1 is on the minus strand). VCF-style: chr5-151851580-C-T. GRCh37 (hg19) VCF-style: chr5-151231141-C-T.
Other names: c.722G>A, p.Arg241Gln (NM_001146040.2); c.473G>A, p.Arg158Gln (NM_001292000.2); short protein forms R241Q, R158Q.
Identifiers: ClinVar variation 352313 (VCV000352313.13), dbSNP rs375819582, ClinGen allele CA3523605.

ClinVar aggregate classification (germline): Benign. Review status: criteria provided, multiple submitters, no conflicts (2 of 4 stars). 2 submissions from 2 submitters: Benign (2). Last evaluated 2025-09-17.

Conditions:
Hyperekplexia 1 (STHE). Also called: HYPEREKPLEXIA 1, AUTOSOMAL DOMINANT; HYPEREKPLEXIA 1, AUTOSOMAL RECESSIVE; EXAGGERATED STARTLE REACTION; KOK DISEASE; STARTLE DISEASE, FAMILIAL; STIFF-BABY SYNDROME. Identifiers: Orphanet 3197, MedGen C4551954, MONDO:0007868, OMIM 149400.
Hereditary hyperekplexia. Identifiers: Orphanet 3197, MedGen C4084968, MONDO:0021022.

Allele frequency attached by ClinVar (database versions not stated): gnomAD 0.00002 and 0.00005; TOPMed 0.00002; gnomAD exomes 0.00006 and 0.00012; ExAC 0.00014; 1000 Genomes Project 0.00020; 1000 Genomes Project 30x 0.00031.

Submissions (2):

Labcorp Genetics (formerly Invitae), Labcorp
Classification: Benign for Hereditary hyperekplexia. Last evaluated: 2025-09-17. Review status: criteria provided, single submitter. Criteria: Invitae Variant Classification Sherloc (09022015). Collection method: clinical testing. Allele origin: germline.

Illumina Laboratory Services, Illumina
Classification: Benign for Hyperekplexia 1. Last evaluated: 2018-01-13. Review status: criteria provided, single submitter. Criteria: ICSL Variant Classification Criteria 13 December 2019. Collection method: clinical testing. Allele origin: germline.
Comment: This variant was observed in the ICSL laboratory as part of a predisposition screen in an ostensibly healthy population. It had not been previously curated by ICSL or reported in the Human Gene Mutation Database (HGMD: prior to June 1st, 2018), and was therefore a candidate for classification through an automated scoring system. Utilizing variant allele frequency, disease prevalence and penetrance estimates, and inheritance mode, an automated score was calculated to assess if this variant is too frequent to cause the disease. Based on the score and internal cut-off values, a variant classified as benign is not then subjected to further curation. The score for this variant resulted in a classification of benign for this disease.